The following is an entry in ClinVar:

NM_005559.4(LAMA1):c.3667C>T (p.Gln1223Ter)

Gene: LAMA1 (laminin subunit alpha 1; minus strand). Cytogenetic location: 18p11.31.
Variant type: single nucleotide variant.
Coding change: c.3667C>T on transcript NM_005559.4 (MANE Select); coding-DNA position 3667, C replaced by T.
Protein change: p.Gln1223Ter; replaces glutamine 1223 with a stop codon.
Molecular consequence: nonsense.
Genome position (GRCh38, 1-based): chr18:7,011,320, G>A on the plus strand (C>T on the coding strand, the complement: LAMA1 is on the minus strand). VCF-style: chr18-7011320-G-A. GRCh37 (hg19) VCF-style: chr18-7011319-G-A.
Other names: short protein forms Q1223*.
Identifiers: ClinVar variation 2015084 (VCV002015084.4), dbSNP rs2510069921, ClinGen allele CA401849221.
Genomic context (GRCh38, chr18:7,011,320, plus strand): 5'-AGGAAGCACCGACTGGCTCTCGGCTGGGCGTGCACCTCACCTGGTCTCCTTGGAACTGCT[G>A]CGGCAGCCGCCAGTAAAACGGCTCTGCACGGATGTGCTGCCGGACGGTGGCGGCATCCAG-3'

ClinVar aggregate classification (germline): Pathogenic (1 of 4 stars; one submission).

Submission:

Labcorp Genetics (formerly Invitae), Labcorp
Classification: Pathogenic. Last evaluated: 2022-07-08. Review status: criteria provided, single submitter. Criteria: Invitae Variant Classification Sherloc (09022015). Collection method: clinical testing. Allele origin: germline.
Comment: For these reasons, this variant has been classified as Pathogenic. This variant has not been reported in the literature in individuals affected with LAMA1-related conditions. This variant is not present in population databases (gnomAD no frequency). This sequence change creates a premature translational stop signal (p.Gln1223*) in the LAMA1 gene. It is expected to result in an absent or disrupted protein product. Loss-of-function variants in LAMA1 are known to be pathogenic (PMID: 25105227, 26932191).

Literature cited by the submitters: PubMed 25105227; PubMed 26932191.